The following is an entry in ClinVar:

ClinVar aggregate classification (germline): Uncertain significance. Review status: criteria provided, multiple submitters, no conflicts (2 of 4 stars). 2 submissions from 2 submitters: Uncertain significance (2). Last evaluated 2025-12-08.

Conditions:
Long QT syndrome (LQTS). Identifiers: MedGen C0023976, MeSH D008133, MONDO:0002442. Disease mechanism: loss of function. Inheritance: Various modes of inheritance.
Timothy syndrome (TS). Also called: LONG QT SYNDROME WITH SYNDACTYLY. Identifiers: Orphanet 65283, MedGen C1832916, MeSH C536962, MONDO:0010979, OMIM 601005.

Allele frequency attached by ClinVar (database versions not stated): TOPMed below 0.00001; gnomAD 0.00001; gnomAD exomes 0.00002; ExAC 0.00003.
gnomAD v4.1: 14 of 1,613,764 alleles (0.00087%); highest among the groups gnomAD compares: Admixed American, 0.0033%; no homozygotes.

Submissions (2):

Labcorp Genetics (formerly Invitae), Labcorp
Classification: Uncertain significance for Long QT syndrome. Last evaluated: 2025-12-08. Review status: criteria provided, single submitter. Criteria: Invitae Variant Classification Sherloc (09022015). Collection method: clinical testing. Allele origin: germline.
Comment: This sequence change replaces threonine, which is neutral and polar, with isoleucine, which is neutral and non-polar, at codon 1752 of the CACNA1C protein (p.Thr1752Ile). This variant is present in population databases (rs752694570, gnomAD 0.003%). This missense change has been observed in individual(s) with long QT syndrome (PMID: 25633834). ClinVar contains an entry for this variant (Variation ID: 526942). Invitae Evidence Modeling of protein sequence and biophysical properties (such as structural, functional, and spatial information, amino acid conservation, physicochemical variation, residue mobility, and thermodynamic stability) indicates that this missense variant is not expected to disrupt CACNA1C protein function with a negative predictive value of 95%. In summary, the available evidence is currently insufficient to determine the role of this variant in disease. Therefore, it has been classified as a Variant of Uncertain Significance.

MGZ Medical Genetics Center
Classification: Uncertain significance for Timothy syndrome. Last evaluated: 2022-02-02. Review status: criteria provided, single submitter. Criteria: ACMG Guidelines, 2015. Collection method: clinical testing. Allele origin: germline. Affected: yes. Observed: 1 variant allele.
Comment: ACMG criteria applied: PM2_SUP, PP2, PP3

Literature cited by the submitters: PubMed 25633834 (cited by Labcorp Genetics (formerly Invitae), Labcorp).

NM_000719.7(CACNA1C):c.5255C>T (p.Thr1752Ile)

Genes: CACNA1C (calcium voltage-gated channel subunit alpha1 C; plus strand), CACNA1C-AS1 (CACNA1C antisense RNA 1; minus strand). Cytogenetic location: 12p13.33.
Variant type: single nucleotide variant.
Coding change: c.5255C>T on transcript NM_000719.7 (MANE Select); coding-DNA position 5255, C replaced by T.
Protein change: p.Thr1752Ile; replaces threonine 1752 with isoleucine.
Molecular consequence: missense variant.
Genome position (GRCh38, 1-based): chr12:2,679,607, C>T. VCF-style: chr12-2679607-C-T. GRCh37 (hg19) VCF-style: chr12-2788773-C-T.
Other names: c.5399C>T, p.Thr1800Ile (NM_001129827.2, NM_199460.4); c.5378C>T, p.Thr1793Ile (NM_001129829.2); c.5255C>T, p.Thr1752Ile (NM_001129830.3, NM_001129840.2, NM_001129841.2 and 4 more transcripts); c.5339C>T, p.Thr1780Ile (NM_001129831.2); c.5315C>T, p.Thr1772Ile (NM_001129832.2); c.5312C>T, p.Thr1771Ile (NM_001129833.2, NM_001129834.2, NM_001129835.2); c.5306C>T, p.Thr1769Ile (NM_001129836.2); c.5279C>T, p.Thr1760Ile (NM_001129837.2, NM_001129838.2); and 3 more; short protein forms T1800I, T1752I, T1760I, T1749I, T1771I, T1780I, T1793I, T1758I.
Identifiers: ClinVar variation 526942 (VCV000526942.19), dbSNP rs752694570, ClinGen allele CA6389739.